The following is an entry in ClinVar:

NM_032119.4(ADGRV1):c.3430C>T (p.Arg1144Ter)

Gene: ADGRV1 (adhesion G protein-coupled receptor V1; plus strand). Cytogenetic location: 5q14.3.
Variant type: single nucleotide variant.
Coding change: c.3430C>T on transcript NM_032119.4 (MANE Select); coding-DNA position 3430, C replaced by T.
Protein change: p.Arg1144Ter; replaces arginine 1144 with a stop codon.
Molecular consequence: nonsense. On other transcripts: non-coding transcript variant (1).
Genome position (GRCh38, 1-based): chr5:90,652,359, C>T. VCF-style: chr5-90652359-C-T. GRCh37 (hg19) VCF-style: chr5-89948176-C-T.
Other names: short protein forms R1144*.
Identifiers: ClinVar variation 1073142 (VCV001073142.7), dbSNP rs1321788006, ClinGen allele CA360397159.

ClinVar aggregate classification (germline): Pathogenic (1 of 4 stars; one submission).

Allele frequency attached by ClinVar (database versions not stated): gnomAD exomes below 0.00001 and 0.00001; TOPMed below 0.00001.
gnomAD v4.1: 10 of 1,588,300 alleles (0.00063%); highest among the groups gnomAD compares: East Asian, 0.0022%; no homozygotes.

Submission:

Labcorp Genetics (formerly Invitae), Labcorp
Classification: Pathogenic. Last evaluated: 2025-10-15. Review status: criteria provided, single submitter. Criteria: Invitae Variant Classification Sherloc (09022015). Collection method: clinical testing. Allele origin: germline.
Comment: This sequence change creates a premature translational stop signal (p.Arg1144*) in the ADGRV1 gene. It is expected to result in an absent or disrupted protein product. Loss-of-function variants in ADGRV1 are known to be pathogenic (PMID: 19357117, 22135276, 22147658, 26226137, 30718709, 31047384, 32467589). This variant is present in population databases (no rsID available, gnomAD 0.005%). This variant has not been reported in the literature in individuals affected with ADGRV1-related conditions. ClinVar contains an entry for this variant (Variation ID: 1073142). Algorithms developed to predict the effect of sequence changes on RNA splicing suggest that this variant may create or strengthen a splice site. For these reasons, this variant has been classified as Pathogenic.

Literature cited by the submitters: PubMed 19357117; PubMed 22135276; PubMed 22147658; PubMed 26226137; PubMed 30718709; PubMed 31047384; PubMed 32467589.